The following is an entry in ClinVar:

NM_024685.4(BBS10):c.864_872del (p.Phe288_Met291delinsLeu)

Gene: BBS10 (Bardet-Biedl syndrome 10; minus strand). Cytogenetic location: 12q21.2.
Variant type: Deletion.
Coding change: c.864_872del on transcript NM_024685.4 (MANE Select); coding-DNA positions 864 to 872, 9 bases deleted (TTGGATTAT; older notation c.864_872delTTGGATTAT).
Protein change: p.Phe288_Met291delinsLeu.
Molecular consequence: inframe indel.
Genome position (GRCh38, 1-based): chr12:76,347,113-76,347,121, ATAATCCAA deleted on the plus strand (TTGGATTAT on the coding strand, the reverse complement: BBS10 is on the minus strand); deleting any 9 consecutive bases within chr12:76,347,113-76,347,122 gives the same sequence; the c. name uses the placement nearest the transcript's 3' end. VCF-style (leftmost placement, unchanged base first): chr12-76347112-CATAATCCAA-C. GRCh37 (hg19) VCF-style: chr12-76740892-CATAATCCAA-C.
Identifiers: ClinVar variation 2038848 (VCV002038848.4), dbSNP rs2540956386, ClinGen allele CA2580086685.

ClinVar aggregate classification (germline): Uncertain significance (1 of 4 stars; one submission).

Conditions:
Bardet-Biedl syndrome (BBS). Identifiers: Orphanet 110, MedGen C0752166, MONDO:0015229.

Submission:

Labcorp Genetics (formerly Invitae), Labcorp
Classification: Uncertain significance for Bardet-Biedl syndrome. Last evaluated: 2022-02-18. Review status: criteria provided, single submitter. Criteria: Invitae Variant Classification Sherloc (09022015). Collection method: clinical testing. Allele origin: germline.
Comment: This variant, c.864_872del, is a complex sequence change that results in the deletion of 4 and insertion of 1 amino acid(s) in the BBS10 protein (p.Phe288_Met291delinsLeu). This variant is not present in population databases (gnomAD no frequency). This variant has not been reported in the literature in individuals affected with BBS10-related conditions. Experimental studies and prediction algorithms are not available or were not evaluated, and the functional significance of this variant is currently unknown. In summary, the available evidence is currently insufficient to determine the role of this variant in disease. Therefore, it has been classified as a Variant of Uncertain Significance.